The following is an entry in ClinVar:

NM_001384140.1(PCDH15):c.4202+5G>A

Gene: PCDH15 (protocadherin related 15; minus strand). Cytogenetic location: 10q21.1.
Variant type: single nucleotide variant.
Coding change: c.4202+5G>A on transcript NM_001384140.1 (MANE Select); 5 bases into the intron after coding-DNA position 4202, G replaced by A.
Molecular consequence: intron variant.
Genome position (GRCh38, 1-based): chr10:53,831,310, C>T on the plus strand (G>A on the coding strand, the complement: PCDH15 is on the minus strand). VCF-style: chr10-53831310-C-T. GRCh37 (hg19) VCF-style: chr10-55591070-C-T.
Other names: c.4202+5G>A (NM_001354420.2, NM_001354429.2, NM_001142772.2 and 4 more transcripts); c.4217+5G>A (NM_001142771.2, NM_001142763.2); c.4223+5G>A (NM_001354411.2); c.4238+5G>A (NM_001142769.3); c.4136+5G>A (NM_001354404.2, NM_001142773.2, NM_001142768.2); c.4091+5G>A (NM_001142767.2); c.3989+5G>A (NM_001142765.2).
Identifiers: ClinVar variation 300178 (VCV000300178.8), dbSNP rs886047063, ClinGen allele CA10635953.
Genomic context (GRCh38, chr10:53,831,310, plus strand): 5'-CCAGAGATGGTTTTCTGCAATGACTTCTGAGGAACTATCCAGGTTTACCATCCTTGAATA[C>T]TTACTGTCTGTAGCTGACCAAAACCACCAAGATGGCAGGAATGCAGCAGAGGATGATGAT-3'

ClinVar aggregate classification (germline): Uncertain significance. Review status: criteria provided, multiple submitters, no conflicts (2 of 4 stars). 3 submissions from 3 submitters: Uncertain significance (3). Last evaluated 2025-12-29.

Conditions:
PCDH15-related disorder. Also called: PCDH15-related condition; PCDH15-related disorders.
Usher syndrome type 1 (USH1). Also called: RETINITIS PIGMENTOSA AND CONGENITAL DEAFNESS. Identifiers: Orphanet 231169, Orphanet 886, MedGen C1568247, MONDO:0010168, OMIM 276900.

Allele frequency attached by ClinVar (database versions not stated): gnomAD exomes below 0.00001.
gnomAD v4.1: 2 of 1,613,708 alleles (0.00012%); highest among the groups gnomAD compares: Admixed American, 0.0017%; no homozygotes.

Submissions (3):

PreventionGenetics, part of Exact Sciences
Classification: Uncertain significance for PCDH15-related condition. Last evaluated: 2025-12-29. Review status: criteria provided, single submitter. Criteria: ACMG Guidelines, 2015. Collection method: clinical testing. Allele origin: germline.
Comment: The PCDH15 c.4202+5G>A variant is predicted to interfere with splicing. This variant is predicted to weaken the canonical splice donor site (SpliceAI, Jaganathan et al. 2019. PubMed ID: 30661751). This variant was previously reported, along with a second potentially causative variant in the same gene, in one individual with retinal disease (supplementary data, Lin et al. 2024. PubMed ID: 38219857). This variant is absent from one large population database (gnomAD), indicating this variant is rare. Although we suspect that this variant may be pathogenic, the clinical significance of this variant is currently classified as uncertain due to the absence of conclusive functional and genetic evidence.

Illumina Laboratory Services, Illumina
Classification: Uncertain significance for Usher syndrome type 1. Last evaluated: 2018-01-12. Review status: criteria provided, single submitter. Criteria: ICSL Variant Classification Criteria 13 December 2019. Collection method: clinical testing. Allele origin: germline.

Blueprint Genetics
Classification: Uncertain significance. Last evaluated: 2017-07-26. Review status: criteria provided, single submitter. Criteria: ACMG Guidelines, 2015. Collection method: clinical testing. Allele origin: germline.